The following is an entry in ClinVar:

ClinVar aggregate classification (germline): Uncertain significance (1 of 4 stars; one submission).

Submission:

Labcorp Genetics (formerly Invitae), Labcorp
Classification: Uncertain significance. Last evaluated: 2024-10-27. Review status: criteria provided, single submitter. Criteria: Invitae Variant Classification Sherloc (09022015). Collection method: clinical testing. Allele origin: germline.
Comment: This sequence change replaces leucine, which is neutral and non-polar, with proline, which is neutral and non-polar, at codon 32 of the AQP2 protein (p.Leu32Pro). This variant is not present in population databases (gnomAD no frequency). This variant has not been reported in the literature in individuals affected with AQP2-related conditions. Invitae Evidence Modeling of protein sequence and biophysical properties (such as structural, functional, and spatial information, amino acid conservation, physicochemical variation, residue mobility, and thermodynamic stability) has been performed for this missense variant. However, the output from this modeling did not meet the statistical confidence thresholds required to predict the impact of this variant on AQP2 protein function. In summary, the available evidence is currently insufficient to determine the role of this variant in disease. Therefore, it has been classified as a Variant of Uncertain Significance.

NM_000486.6(AQP2):c.95T>C (p.Leu32Pro)

Gene: AQP2 (aquaporin 2; plus strand). Cytogenetic location: 12q13.12.
Variant type: single nucleotide variant.
Coding change: c.95T>C on transcript NM_000486.6 (MANE Select); coding-DNA position 95, T replaced by C.
Protein change: p.Leu32Pro; replaces leucine 32 with proline.
Molecular consequence: missense variant.
Genome position (GRCh38, 1-based): chr12:49,950,925, T>C. VCF-style: chr12-49950925-T-C. GRCh37 (hg19) VCF-style: chr12-50344708-T-C.
Other names: short protein forms L32P.
Identifiers: ClinVar variation 3688195 (VCV003688195.2).